The following is an entry in ClinVar:

ClinVar aggregate classification (germline): Uncertain significance. Review status: criteria provided, multiple submitters, no conflicts (2 of 4 stars). 4 submissions from 4 submitters: Uncertain significance (4). Last evaluated 2026-01-26.

Conditions:
Inborn genetic diseases. Identifiers: MedGen C0950123, MeSH D030342.
CNGA3-related disorder. Also called: CNGA3-related condition.

Allele frequency attached by ClinVar (database versions not stated): gnomAD 0.00003; gnomAD exomes 0.00003; ExAC 0.00005; TOPMed 0.00006.
gnomAD v4.1: 57 of 1,613,960 alleles (0.0035%); highest among the groups gnomAD compares: South Asian, 0.012%; no homozygotes.

Submissions (4):

PreventionGenetics, part of Exact Sciences
Classification: Uncertain significance for CNGA3-related condition. Last evaluated: 2026-01-26. Review status: criteria provided, single submitter. Criteria: ACMG Guidelines, 2015. Collection method: clinical testing. Allele origin: germline.
Comment: The CNGA3 c.1807C>T variant is predicted to result in the amino acid substitution p.Arg603Trp. This variant was reported, along with a second missense variant in the same gene, in an individual with retinal disease (supplementary data, Lin et al. 2024. PubMed ID: 38219857). This variant is reported in 0.013% of alleles in individuals of South Asian descent in gnomAD. At this time, the clinical significance of this variant is uncertain due to the absence of conclusive functional and genetic evidence.

Ambry Genetics
Classification: Uncertain significance for Inborn genetic diseases. Last evaluated: 2025-12-11. Review status: criteria provided, single submitter. Criteria: Ambry Variant Classification Scheme 2023. Collection method: clinical testing. Allele origin: germline.

Blueprint Genetics
Classification: Uncertain significance. Last evaluated: 2024-10-03. Review status: criteria provided, single submitter. Criteria: ACMG Guidelines, 2015. Collection method: clinical testing. Allele origin: germline.

Labcorp Genetics (formerly Invitae), Labcorp
Classification: Uncertain significance. Last evaluated: 2023-11-27. Review status: criteria provided, single submitter. Criteria: Invitae Variant Classification Sherloc (09022015). Collection method: clinical testing. Allele origin: germline.
Comment: This sequence change replaces arginine, which is basic and polar, with tryptophan, which is neutral and slightly polar, at codon 603 of the CNGA3 protein (p.Arg603Trp). This variant is present in population databases (rs769370731, gnomAD 0.01%). This variant has not been reported in the literature in individuals affected with CNGA3-related conditions. ClinVar contains an entry for this variant (Variation ID: 1004511). Advanced modeling of protein sequence and biophysical properties (such as structural, functional, and spatial information, amino acid conservation, physicochemical variation, residue mobility, and thermodynamic stability) performed at Invitae indicates that this missense variant is expected to disrupt CNGA3 protein function with a positive predictive value of 95%. In summary, the available evidence is currently insufficient to determine the role of this variant in disease. Therefore, it has been classified as a Variant of Uncertain Significance.

NM_001298.3(CNGA3):c.1807C>T (p.Arg603Trp)

Gene: CNGA3 (cyclic nucleotide gated channel subunit alpha 3; plus strand). Cytogenetic location: 2q11.2.
Variant type: single nucleotide variant.
Coding change: c.1807C>T on transcript NM_001298.3 (MANE Select); coding-DNA position 1807, C replaced by T.
Protein change: p.Arg603Trp; replaces arginine 603 with tryptophan.
Molecular consequence: missense variant.
Genome position (GRCh38, 1-based): chr2:98,396,977, C>T. VCF-style: chr2-98396977-C-T. GRCh37 (hg19) VCF-style: chr2-99013440-C-T.
Other names: c.1807C>T (NM_001298.2); c.1753C>T, p.Arg585Trp (NM_001079878.2); short protein forms R585W, R603W.
Identifiers: ClinVar variation 1004511 (VCV001004511.9), dbSNP rs769370731, ClinGen allele CA1794093.